The following is an entry in ClinVar:

NM_003000.3(SDHB):c.46A>G (p.Thr16Ala)

Gene: SDHB (succinate dehydrogenase complex iron sulfur subunit B; minus strand). Cytogenetic location: 1p36.13.
Variant type: single nucleotide variant.
Coding change: c.46A>G on transcript NM_003000.3 (MANE Select); coding-DNA position 46, A replaced by G.
Protein change: p.Thr16Ala; replaces threonine 16 with alanine.
Molecular consequence: missense variant.
Genome position (GRCh38, 1-based): chr1:17,053,974, T>C on the plus strand (A>G on the coding strand, the complement: SDHB is on the minus strand). VCF-style: chr1-17053974-T-C. GRCh37 (hg19) VCF-style: chr1-17380469-T-C.
Other names: short protein forms T16A.
Identifiers: ClinVar variation 658058 (VCV000658058.14), dbSNP rs1433760506, ClinGen allele CA338230706.
Genomic context (GRCh38, chr1:17,053,974, plus strand): 5'-CTGACTTTTCCCTCTCTGAGGCTCCAGGACTCACCTGCAGGCAGGCTCCGCCAAGGGTTG[T>C]GGCCGGCAACCGGCGCCTCAAGGAGAGGGCGACCACCGCCGCCATCTTGGCTCCTGACGT-3'
Protein context (NP_002991.2, residues 6-26): ALSLRRRLPA[Thr16Ala]TLGGACLQAS

ClinVar aggregate classification (germline): Conflicting classifications of pathogenicity. Review status: criteria provided, conflicting classifications (1 of 4 stars). 6 submissions from 6 submitters: Uncertain significance (5); Likely benign (1). Last evaluated 2026-09-05.

Conditions:
Gastrointestinal stromal tumor. Also called: Gastrointestinal stroma tumor; Gastrointestinal stromal tumor, somatic. Identifiers: Orphanet 44890, MedGen C0238198, MeSH D046152, MONDO:0011719, OMIM 606764, HP:0100723.
Pheochromocytoma/paraganglioma syndrome 4. Also called: SDHB-Related Hereditary Paraganglioma-Pheochromocytoma Syndrome; CAROTID BODY TUMORS AND MULTIPLE EXTRAADRENAL PHEOCHROMOCYTOMAS; Paragangliomas 4; SDHB-Related Hereditary Paraganglioma-Pheochromocytoma Syndrome (Paragangliomas 4); PARAGANGLIOMA, FAMILIAL MALIGNANT; PARAGANGLIOMAS, HEREDITARY EXTRAADRENAL. Identifiers: Orphanet 29072, MedGen C1861848, MONDO:0007273, OMIM 115310.
Pheochromocytoma. Also called: MAX-Related Hereditary Paraganglioma-Pheochromocytoma Syndrome. Identifiers: Orphanet 29072, MedGen C0031511, MONDO:0008233, OMIM 171300, HP:0002666.
Carney-Stratakis syndrome. Also called: PARAGANGLIOMA AND GASTROINTESTINAL STROMAL TUMOR. Identifiers: Orphanet 97286, MedGen C1847319, MONDO:0011740, OMIM 606864.
Mitochondrial complex 2 deficiency, nuclear type 4. Also called: MITOCHONDRIAL COMPLEX II DEFICIENCY, NUCLEAR TYPE 4. Identifiers: MedGen C5543176, MONDO:0030974, OMIM 619224.
Hereditary cancer-predisposing syndrome. Also called: Tumor predisposition; Hereditary neoplastic syndrome; Hereditary Cancer Syndrome; Neoplastic Syndromes, Hereditary. Identifiers: Orphanet 140162, MedGen C0027672, MeSH D009386, MONDO:0015356.
Hereditary pheochromocytoma and paraganglioma. Also called: Hereditary paragangliomas and pheochromocytomas; Hereditary Paraganglioma-Pheochromocytoma Syndromes; Hereditary pheochromocytoma-paraganglioma. Identifiers: Orphanet 29072, MedGen C4274332, MONDO:0017366.
SDHB-related disorder. Also called: SDHB-related condition; SDHB-related disorders. Identifiers: MedGen CN239418.

Allele frequency attached by ClinVar (database versions not stated): gnomAD exomes below 0.00001.
gnomAD v4.1: 4 of 1,613,198 alleles (0.00025%); highest among the groups gnomAD compares: East Asian, 0.0022%; no homozygotes.

Submissions (6):

PreventionGenetics, part of Exact Sciences
Classification: Uncertain significance for SDHB-related condition. Last evaluated: 2026-09-05. Review status: criteria provided, single submitter. Criteria: ACMG Guidelines, 2015. Collection method: clinical testing. Allele origin: germline.
Comment: The SDHB c.46A>G variant is predicted to result in the amino acid substitution p.Thr16Ala. To our knowledge, this variant has not been reported in the literature. This variant is reported in 0.0055% of alleles in individuals of East Asian descent in gnomAD and has conflicting interpretations in ClinVar, ranging from uncertain significance to likely benign (Variation ID: 658058). At this time, the clinical significance of this variant is uncertain due to the absence of conclusive functional and genetic evidence.

Labcorp Genetics (formerly Invitae), Labcorp
Classification: Uncertain significance for Gastrointestinal stromal tumor; Pheochromocytoma/paraganglioma syndrome 4; Pheochromocytoma. Last evaluated: 2026-02-03. Review status: criteria provided, single submitter. Criteria: Invitae Variant Classification Sherloc (09022015). Collection method: clinical testing. Allele origin: germline.
Comment: This sequence change replaces threonine, which is neutral and polar, with alanine, which is neutral and non-polar, at codon 16 of the SDHB protein (p.Thr16Ala). The frequency data for this variant in the population databases is considered unreliable, as metrics indicate poor data quality at this position in the gnomAD database. This variant has not been reported in the literature in individuals affected with SDHB-related conditions. ClinVar contains an entry for this variant (Variation ID: 658058). Invitae Evidence Modeling of protein sequence and biophysical properties (such as structural, functional, and spatial information, amino acid conservation, physicochemical variation, residue mobility, and thermodynamic stability) indicates that this missense variant is not expected to disrupt SDHB protein function with a negative predictive value of 95%. In summary, the available evidence is currently insufficient to determine the role of this variant in disease. Therefore, it has been classified as a Variant of Uncertain Significance.

Fulgent Genetics
Classification: Uncertain significance for Pheochromocytoma/paraganglioma syndrome 4; Gastrointestinal stromal tumor; Carney-Stratakis syndrome; Mitochondrial complex 2 deficiency, nuclear type 4. Last evaluated: 2024-06-14. Review status: criteria provided, single submitter. Criteria: ACMG Guidelines, 2015. Collection method: clinical testing. Allele origin: germline.

GeneDx
Classification: Uncertain significance. Last evaluated: 2024-03-12. Review status: criteria provided, single submitter. Criteria: GeneDx Variant Classification Process June 2021. Collection method: clinical testing. Allele origin: germline. Affected: yes.
Comment: Not observed at significant frequency in large population cohorts (gnomAD); In silico analysis supports that this missense variant does not alter protein structure/function; Has not been previously published as pathogenic or benign to our knowledge

All of Us Research Program, National Institutes of Health
Classification: Uncertain significance for Hereditary pheochromocytoma and paraganglioma. Last evaluated: 2023-08-15. Review status: criteria provided, single submitter. Criteria: ACMG Guidelines, 2015. Collection method: clinical testing. Allele origin: germline. Inheritance: Autosomal dominant inheritance. Observed: 2 variant alleles, 2 heterozygotes.
Comment: This missense variant replaces threonine with alanine at codon 16 of the SDHB protein. Computational prediction suggests that this variant may not impact protein structure and function (internally defined REVEL score threshold <= 0.5, PMID: 27666373). To our knowledge, functional studies have not been reported for this variant. This variant has not been reported in individuals affected with SDHB-related disorders in the literature. This variant has been identified in 1/243378 chromosomes in the general population by the Genome Aggregation Database (gnomAD). The available evidence is insufficient to determine the role of this variant in disease conclusively. Therefore, this variant is classified as a Variant of Uncertain Significance.

This study involves interpretation of variants in research participants for the purpose of population health screening. Participant phenotype was not available at the time of variant classification. Additional details can be found in publication PMID: 35346344, PMCID: PMC8962531

Ambry Genetics
Classification: Likely benign for Hereditary cancer-predisposing syndrome. Last evaluated: 2021-01-11. Review status: criteria provided, single submitter. Criteria: Ambry Variant Classification Scheme 2023. Collection method: clinical testing. Allele origin: germline.